The following is an entry in ClinVar:

ClinVar aggregate classification (germline): Uncertain significance (1 of 4 stars; one submission).

Conditions:
Combined immunodeficiency due to LRBA deficiency. Also called: Common variable immunodeficiency 8, with autoimmunity. Identifiers: Orphanet 445018, MedGen C3553512, MONDO:0013863, OMIM 614700.

Allele frequency attached by ClinVar (database versions not stated): TOPMed 0.00002; gnomAD 0.00002.
gnomAD v4.1: 31 of 1,574,860 alleles (0.002%); highest among the groups gnomAD compares: Non-Finnish European, 0.0027%; no homozygotes.

Submission:

Labcorp Genetics (formerly Invitae), Labcorp
Classification: Uncertain significance for Combined immunodeficiency due to LRBA deficiency. Last evaluated: 2022-08-09. Review status: criteria provided, single submitter. Criteria: Invitae Variant Classification Sherloc (09022015). Collection method: clinical testing. Allele origin: germline.
Comment: This sequence change falls in intron 36 of the LRBA gene. It does not directly change the encoded amino acid sequence of the LRBA protein. The frequency data for this variant in the population databases is considered unreliable, as metrics indicate poor data quality at this position in the gnomAD database. This variant has not been reported in the literature in individuals affected with LRBA-related conditions. ClinVar contains an entry for this variant (Variation ID: 1004003). Algorithms developed to predict the effect of sequence changes on RNA splicing suggest that this variant may create or strengthen a splice site. In summary, the available evidence is currently insufficient to determine the role of this variant in disease. Therefore, it has been classified as a Variant of Uncertain Significance.

NM_001364905.1(LRBA):c.5755-6T>G

Gene: LRBA (LPS responsive beige-like anchor protein; minus strand). Cytogenetic location: 4q31.3.
Variant type: single nucleotide variant.
Coding change: c.5755-6T>G on transcript NM_001364905.1 (MANE Select); 6 bases into the intron before coding-DNA position 5755, T replaced by G.
Molecular consequence: intron variant.
Genome position (GRCh38, 1-based): chr4:150,683,723, A>C on the plus strand (T>G on the coding strand, the complement: LRBA is on the minus strand). VCF-style: chr4-150683723-A-C. GRCh37 (hg19) VCF-style: chr4-151604875-A-C.
Other names: c.5755-6T>G (NM_001367550.1, NM_006726.5, NM_001199282.3 and 2 more transcripts).
Identifiers: ClinVar variation 1004003 (VCV001004003.6), dbSNP rs760614212, ClinGen allele CA3102352.